The following is an entry in ClinVar:

NM_000059.4(BRCA2):c.1913T>G (p.Leu638Ter)

Gene: BRCA2 (BRCA2 DNA repair associated; plus strand). Cytogenetic location: 13q13.1.
Variant type: single nucleotide variant.
Coding change: c.1913T>G on transcript NM_000059.4 (MANE Select); coding-DNA position 1913, T replaced by G.
Protein change: p.Leu638Ter; replaces leucine 638 with a stop codon.
Molecular consequence: nonsense.
Genome position (GRCh38, 1-based): chr13:32,336,268, T>G. VCF-style: chr13-32336268-T-G. GRCh37 (hg19) VCF-style: chr13-32910405-T-G.
Other names: 2141T>G Leu638ter; short protein forms L638*.
Identifiers: ClinVar variation 266668 (VCV000266668.5), dbSNP rs886040396, ClinGen allele CA10589127.

ClinVar aggregate classification (germline): Pathogenic. Review status: reviewed by expert panel (3 of 4 stars). 2 submissions from 2 submitters: Pathogenic (1). 1 of the submissions does not count toward it. Last evaluated 2016-10-18.

Conditions:
Breast-ovarian cancer, familial, susceptibility to, 2 (BROVCA2). Also called: BRCA2 Hereditary Breast and Ovarian Cancer. Identifiers: Orphanet 145, MedGen C2675520, MONDO:0012933, OMIM 612555. Disease mechanism: loss of function.

Submissions (2):

Evidence-based Network for the Interpretation of Germline Mutant Alleles (ENIGMA)
Classification: Pathogenic for Breast-ovarian cancer, familial, susceptibility to, 2. Last evaluated: 2016-10-18. Review status: reviewed by expert panel. Criteria: ENIGMA BRCA1/2 Classification Criteria (2015). Collection method: curation. Allele origin: germline.
Comment: Variant allele predicted to encode a truncated non-functional protein.

Consortium of Investigators of Modifiers of BRCA1/2 (CIMBA), c/o University of Cambridge
Classification: Pathogenic for Breast-ovarian cancer, familial, susceptibility to, 2. Last evaluated: 2015-10-02. Review status: criteria provided, single submitter. Criteria: CIMBA Mutation Classification guidelines May 2016. Collection method: clinical testing. Allele origin: germline. Not counted in ClinVar's aggregate classification.